The following is an entry in ClinVar:

NM_006904.7(PRKDC):c.9487A>G (p.Thr3163Ala)

Gene: PRKDC (protein kinase, DNA-activated, catalytic subunit; minus strand). Cytogenetic location: 8q11.21.
Variant type: single nucleotide variant.
Coding change: c.9487A>G on transcript NM_006904.7 (MANE Select); coding-DNA position 9487, A replaced by G.
Protein change: p.Thr3163Ala; replaces threonine 3163 with alanine.
Molecular consequence: missense variant.
Genome position (GRCh38, 1-based): chr8:47,817,520, T>C on the plus strand (A>G on the coding strand, the complement: PRKDC is on the minus strand). VCF-style: chr8-47817520-T-C. GRCh37 (hg19) VCF-style: chr8-48730081-T-C.
Other names: c.9487A>G, p.Thr3163Ala (NM_001081640.2); short protein forms T3163A.
Identifiers: ClinVar variation 842842 (VCV000842842.5), dbSNP rs1274051157, ClinGen allele CA371137186.

ClinVar aggregate classification (germline): Uncertain significance (1 of 4 stars; one submission).

Conditions:
Severe combined immunodeficiency due to DNA-PKcs deficiency. Also called: Immunodeficiency 26 with or without neurologic abnormalities; IMMUNODEFICIENCY 26 WITH NEUROLOGIC ABNORMALITIES. Identifiers: Orphanet 317425, MedGen C4014833, MONDO:0014423, OMIM 615966.

Allele frequency attached by ClinVar (database versions not stated): gnomAD below 0.00001 and 0.00001; TOPMed below 0.00001.
gnomAD v4.1: 2 of 1,606,580 alleles (0.00012%); highest among the groups gnomAD compares: Admixed American, 0.0017%; no homozygotes.

Submission:

Labcorp Genetics (formerly Invitae), Labcorp
Classification: Uncertain significance for Severe combined immunodeficiency due to DNA-PKcs deficiency. Last evaluated: 2019-11-21. Review status: criteria provided, single submitter. Criteria: Invitae Variant Classification Sherloc (09022015). Collection method: clinical testing. Allele origin: germline.
Comment: In summary, the available evidence is currently insufficient to determine the role of this variant in disease. Therefore, it has been classified as a Variant of Uncertain Significance. Algorithms developed to predict the effect of missense changes on protein structure and function output the following: SIFT: "Tolerated"; PolyPhen-2: "Not Available"; Align-GVGD: "Class C0". The alanine amino acid residue is found in multiple mammalian species, suggesting that this missense change does not adversely affect protein function. These predictions have not been confirmed by published functional studies and their clinical significance is uncertain. This variant has not been reported in the literature in individuals with PRKDC-related conditions. This variant is not present in population databases (ExAC no frequency). This sequence change replaces threonine with alanine at codon 3163 of the PRKDC protein (p.Thr3163Ala). The threonine residue is weakly conserved and there is a small physicochemical difference between threonine and alanine.